The following is an entry in ClinVar:

NM_003628.6(PKP4):c.2419C>T (p.Pro807Ser)

Genes: PKP4 (plakophilin 4; plus strand), PKP4-AS1 (PKP4 antisense RNA 1; minus strand). Cytogenetic location: 2q24.1.
Variant type: single nucleotide variant.
Coding change: c.2419C>T on transcript NM_003628.6 (MANE Select); coding-DNA position 2419, C replaced by T.
Protein change: p.Pro807Ser; replaces proline 807 with serine.
Molecular consequence: missense variant.
Genome position (GRCh38, 1-based): chr2:158,663,287, C>T. VCF-style: chr2-158663287-C-T. GRCh37 (hg19) VCF-style: chr2-159519799-C-T.
Other names: c.2419C>T, p.Pro807Ser (NM_001005476.4, NM_001304971.2, NM_001377218.1 and 1 more transcripts); c.2416C>T, p.Pro806Ser (NM_001304969.3, NM_001377219.1, NM_001377220.1 and 2 more transcripts); c.1390C>T, p.Pro464Ser (NM_001304970.3); c.2413C>T, p.Pro805Ser (NM_001377222.1, NM_001377223.1); c.2410C>T, p.Pro804Ser (NM_001377224.1); short protein forms P805S, P806S, P804S, P464S, P807S.
Identifiers: ClinVar variation 1790978 (VCV001790978.3), dbSNP rs528973296, ClinGen allele CA58639185.

ClinVar aggregate classification (germline): Uncertain significance (1 of 4 stars; one submission).

Allele frequency attached by ClinVar (database versions not stated): gnomAD 0.00001; TOPMed 0.00001; gnomAD exomes 0.00003.

Submission:

Ambry Genetics
Classification: Uncertain significance. Last evaluated: 2024-11-01. Review status: criteria provided, single submitter. Criteria: Ambry Variant Classification Scheme 2023. Collection method: clinical testing. Allele origin: germline.
Comment: The p.P807S variant (also known as c.2419C>T), located in coding exon 14 of the PKP4 gene, results from a C to T substitution at nucleotide position 2419. The proline at codon 807 is replaced by serine, an amino acid with similar properties. This amino acid position is conserved. In addition, this alteration is predicted to be deleterious by in silico analysis. Since supporting evidence is limited at this time, the clinical significance of this alteration remains unclear.